The following is an entry in ClinVar:

NM_001276345.2(TNNT2):c.163+4A>T

Gene: TNNT2 (troponin T2, cardiac type; minus strand). Cytogenetic location: 1q32.1.
Variant type: single nucleotide variant.
Coding change: c.163+4A>T on transcript NM_001276345.2 (MANE Select); 4 bases into the intron after coding-DNA position 163, A replaced by T.
Molecular consequence: intron variant.
Genome position (GRCh38, 1-based): chr1:201,368,158, T>A on the plus strand (A>T on the coding strand, the complement: TNNT2 is on the minus strand). VCF-style: chr1-201368158-T-A. GRCh37 (hg19) VCF-style: chr1-201337286-T-A.
Other names: c.133+4A>T (NM_001406727.1, NM_001406724.1, NM_001406725.1 and 4 more transcripts); c.118+4A>T (NM_001001432.3, NM_001406728.1); c.163+4A>T (NM_001276346.2, NM_000364.4, NM_001406723.1).
Identifiers: ClinVar variation 2774643 (VCV002774643.3), dbSNP rs2527078854, ClinGen allele CA2573982251.

ClinVar aggregate classification (germline): Uncertain significance. Review status: criteria provided, multiple submitters, no conflicts (2 of 4 stars). 2 submissions from 2 submitters: Uncertain significance (2). Last evaluated 2023-09-18.

Conditions:
Cardiomyopathy (CMYO). Also called: Cardiomyopathies. Identifiers: Orphanet 167848, MedGen C0878544, MONDO:0004994, HP:0001638. Inheritance: Various modes of inheritance.

Allele frequency attached by ClinVar (database versions not stated): gnomAD exomes below 0.00001.
gnomAD v4.1: 3 of 1,614,080 alleles (0.00019%); highest among the groups gnomAD compares: Non-Finnish European, 0.00025%; no homozygotes.

Submissions (2):

All of Us Research Program, National Institutes of Health
Classification: Uncertain significance for Cardiomyopathy. Last evaluated: 2023-09-18. Review status: criteria provided, single submitter. Criteria: ACMG Guidelines, 2015. Collection method: clinical testing. Allele origin: germline. Inheritance: Autosomal dominant inheritance. Observed: 3 variant alleles, 3 heterozygotes.
Comment: This variant causes an A to T nucleotide substitution at the +4 position of intron 5 of the TNNT2 gene. To our knowledge, functional studies have not been reported for this variant. This variant has not been reported in individuals affected with TNNT2-related disorders in the literature. This variant has not been identified in the general population by the Genome Aggregation Database (gnomAD). The available evidence is insufficient to determine the role of this variant in disease conclusively. Therefore, this variant is classified as a Variant of Uncertain Significance.

This study involves interpretation of variants in research participants for the purpose of population health screening. Participant phenotype was not available at the time of variant classification. Additional details can be found in publication PMID: 35346344, PMCID: PMC8962531

Color Diagnostics, LLC DBA Color Health
Classification: Uncertain significance for Cardiomyopathy. Last evaluated: 2023-07-20. Review status: criteria provided, single submitter. Criteria: ACMG Guidelines, 2015. Collection method: clinical testing. Allele origin: germline.
Comment: This variant causes an A to T nucleotide substitution at the +4 position of intron 5 of the TNNT2 gene. To our knowledge, functional studies have not been reported for this variant. This variant has not been reported in individuals affected with TNNT2-related disorders in the literature. This variant has not been identified in the general population by the Genome Aggregation Database (gnomAD). The available evidence is insufficient to determine the role of this variant in disease conclusively. Therefore, this variant is classified as a Variant of Uncertain Significance.